The following is an entry in ClinVar:

ClinVar aggregate classification (germline): Conflicting classifications of pathogenicity. Review status: criteria provided, conflicting classifications (1 of 4 stars). 17 submissions from 15 submitters: Uncertain significance (2); Benign (5); Likely benign (7). 3 of the submissions do not count toward it. Last evaluated 2026-01-06.

Conditions:
Inborn genetic diseases. Identifiers: MedGen C0950123, MeSH D030342.
Maturity-onset diabetes of the young type 13. Also called: MODY, TYPE 13. Identifiers: Orphanet 552, MedGen C4225365, MONDO:0014589, OMIM 616329.
Hyperinsulinemic hypoglycemia, familial, 2. Also called: HYPERINSULINEMIC HYPOGLYCEMIA, PERSISTENT; HYPERINSULINISM, NEONATAL. Identifiers: Orphanet 276580, Orphanet 276603, MedGen C2931833, MONDO:0011153, OMIM 601820. Disease mechanism: loss of function.
Permanent neonatal diabetes mellitus (PNDM). Identifiers: Orphanet 99885, MedGen C1833104, MONDO:0100164, MONDO:0011643. Disease mechanism: gain of function.
Diabetes mellitus, transient neonatal, 3 (TNDM3). Identifiers: Orphanet 99886, MedGen C1864623, MONDO:0012522, OMIM 610582. Disease mechanism: loss of function.
Hyperinsulinemia. Also called: Hyperinsulinism. Identifiers: MedGen C0020459, MONDO:0002177, HP:0000842.

Allele frequency attached by ClinVar (database versions not stated): gnomAD exomes 0.00015 and 0.00040; gnomAD 0.00029 and 0.00042; TOPMed 0.00032; ExAC 0.00034; 1000 Genomes Project 30x 0.00187; 1000 Genomes Project 0.00200.
gnomAD v4.1: 356 of 1,614,186 alleles (0.022%); highest among the groups gnomAD compares: East Asian, 0.29%; 1 homozygote.

Submissions (17):

Labcorp Genetics (formerly Invitae), Labcorp
Classification: Benign. Last evaluated: 2026-01-06. Review status: criteria provided, single submitter. Criteria: Invitae Variant Classification Sherloc (09022015). Collection method: clinical testing. Allele origin: germline.

Women's Health and Genetics/Laboratory Corporation of America, LabCorp
Classification: Likely benign. Last evaluated: 2024-12-06. Review status: criteria provided, single submitter. Criteria: LabCorp Variant Classification Summary - May 2015. Collection method: clinical testing. Allele origin: germline.

Blueprint Genetics
Classification: Likely benign. Last evaluated: 2024-10-11. Review status: criteria provided, single submitter. Criteria: ACMG Guidelines, 2015. Collection method: clinical testing. Allele origin: germline.

Ambry Genetics
Classification: Likely benign for Inborn genetic diseases. Last evaluated: 2023-09-12. Review status: criteria provided, single submitter. Criteria: Ambry Variant Classification Scheme 2023. Collection method: clinical testing. Allele origin: germline.

CeGaT Center for Human Genetics Tuebingen
Classification: Likely benign. Last evaluated: 2023-02-01. Review status: criteria provided, single submitter. Criteria: CeGaT Center For Human Genetics Tuebingen Variant Classification Criteria Version 2. Collection method: clinical testing. Allele origin: germline. Affected: yes. Observed: 2 variant alleles.
Comment: KCNJ11: BP4, BP7

ARUP Laboratories, Molecular Genetics and Genomics, ARUP Laboratories
Classification: Likely benign. Last evaluated: 2022-09-14. Review status: criteria provided, single submitter. Criteria: ARUP Molecular Germline Variant Investigation Process 2021. Collection method: clinical testing. Allele origin: germline.

GeneDx
Classification: Likely benign. Last evaluated: 2020-11-17. Review status: criteria provided, single submitter. Criteria: GeneDx Variant Classification Process June 2021. Collection method: clinical testing. Allele origin: germline. Affected: yes.
Comment: This variant is associated with the following publications: (PMID: 26740944)

Athena Diagnostics
Classification: Benign. Last evaluated: 2020-09-30. Review status: criteria provided, single submitter. Criteria: Athena Diagnostics criteria. Collection method: clinical testing. Allele origin: unknown.

Genetic Services Laboratory, University of Chicago
Classification: Likely benign. Last evaluated: 2019-05-23. Review status: criteria provided, single submitter. Criteria: ACMG Guidelines, 2015. Collection method: clinical testing. Allele origin: germline. Affected: no.

Illumina Laboratory Services, Illumina
Classification: Uncertain significance for Hyperinsulinemic hypoglycemia, familial, 2. Last evaluated: 2017-04-27. Review status: criteria provided, single submitter. Criteria: ICSL Variant Classification Criteria 13 December 2019. Collection method: clinical testing. Allele origin: germline.
Comment: This variant was observed as part of a predisposition screen in an ostensibly healthy population. A literature search was performed for the gene, cDNA change, and amino acid change (where applicable). Publications were found based on this search. However, the evidence from the literature, in combination with allele frequency data from public databases where available, was not sufficient to rule this variant in or out of causing disease. Therefore, this variant is classified as a variant of unknown significance.

Illumina Laboratory Services, Illumina
Classification: Benign for Diabetes mellitus, transient neonatal, 3. Last evaluated: 2017-04-27. Review status: criteria provided, single submitter. Criteria: ICSL Variant Classification Criteria 13 December 2019. Collection method: clinical testing. Allele origin: germline.
Comment: This variant was observed as part of a predisposition screen in an ostensibly healthy population. A literature search was performed for the gene, cDNA change, and amino acid change (where applicable). No publications were found based on this search. Allele frequency data from public databases was too high to be consistent with this variant causing disease. Therefore, this variant is classified as benign.

Illumina Laboratory Services, Illumina
Classification: Benign for Maturity-onset diabetes of the young type 13. Last evaluated: 2017-04-27. Review status: criteria provided, single submitter. Criteria: ICSL Variant Classification Criteria 13 December 2019. Collection method: clinical testing. Allele origin: germline.
Comment: the same text as in the submission from Illumina Laboratory Services, Illumina above.

Clinical Genomics, Uppaluri K&H Personalized Medicine Clinic
Classification: Uncertain significance for Hyperinsulinemia. Review status: criteria provided, single submitter. Criteria: K&H Uppaluri Personalized Medicine Clinic Variant Classification & Assertion Criteria. Collection method: research. Allele origin: somatic. Inheritance: Autosomal dominant inheritance.
Comment: Mutations in KCNJ11 gene can generally cause decreased production and secretion of insulin. This can lead to MODY. However, the role of this particular variant (rs116392938) of KCNJ11 gene in congenital hyperinsulinism and MODY remains uncertain.

PreventionGenetics, part of Exact Sciences
Classification: Benign. Review status: criteria provided, single submitter. Criteria: ACMG Guidelines, 2015. Collection method: clinical testing. Allele origin: germline.

Natera, Inc.
Classification: Likely benign for Permanent neonatal diabetes mellitus. Last evaluated: 2019-10-22. Review status: no assertion criteria provided. Collection method: clinical testing. Allele origin: germline. Not counted in ClinVar's aggregate classification.

Diagnostic Laboratory, Department of Genetics, University Medical Center Groningen
Classification: Likely benign. Review status: no assertion criteria provided. Collection method: clinical testing. Allele origin: germline. Affected: yes. Study: VKGL Data-share Consensus. Not counted in ClinVar's aggregate classification.

Laboratory of Diagnostic Genome Analysis, Leiden University Medical Center (LUMC)
Classification: Likely benign. Review status: no assertion criteria provided. Collection method: clinical testing. Allele origin: germline. Affected: yes. Study: VKGL Data-share Consensus. Not counted in ClinVar's aggregate classification.

Literature cited by the submitters: PubMed 26740944 (cited by 3 submitters).

NM_000525.4(KCNJ11):c.843C>T (p.Leu281=)

Gene: KCNJ11 (potassium inwardly rectifying channel subfamily J member 11; minus strand). Cytogenetic location: 11p15.1.
Variant type: single nucleotide variant.
Coding change: c.843C>T on transcript NM_000525.4 (MANE Select); coding-DNA position 843, C replaced by T.
Protein change: p.Leu281=; no amino-acid change (leucine 281 retained).
Molecular consequence: synonymous variant.
Genome position (GRCh38, 1-based): chr11:17,387,249, G>A on the plus strand (C>T on the coding strand, the complement: KCNJ11 is on the minus strand). VCF-style: chr11-17387249-G-A. GRCh37 (hg19) VCF-style: chr11-17408796-G-A.
Other names: c.582C>T, p.Leu194= (NM_001166290.2, NM_001377296.1, NM_001377297.1).
Identifiers: ClinVar variation 211227 (VCV000211227.57), dbSNP rs116392938, ClinGen allele CA208185.